The following is an entry in ClinVar:

NM_001039396.2(MPEG1):c.217A>G (p.Thr73Ala)

Gene: MPEG1 (macrophage expressed 1; minus strand). Cytogenetic location: 11q12.1.
Variant type: single nucleotide variant.
Coding change: c.217A>G on transcript NM_001039396.2 (MANE Select); coding-DNA position 217, A replaced by G.
Protein change: p.Thr73Ala; replaces threonine 73 with alanine.
Molecular consequence: missense variant.
Genome position (GRCh38, 1-based): chr11:59,212,649, T>C on the plus strand (A>G on the coding strand, the complement: MPEG1 is on the minus strand). VCF-style: chr11-59212649-T-C. GRCh37 (hg19) VCF-style: chr11-58980122-T-C.
Other names: short protein forms T73A.
Identifiers: ClinVar variation 1035586 (VCV001035586.26), dbSNP rs143527301, ClinGen allele CA6017796.

ClinVar aggregate classification (germline): Likely benign. Review status: criteria provided, multiple submitters, no conflicts (2 of 4 stars). 3 submissions from 3 submitters: Likely benign (2). 1 of the submissions does not count toward it. Last evaluated 2022-12-01.

Conditions:
Immunodeficiency 77. Identifiers: MedGen C5543173, MONDO:0030973, OMIM 619223.

Allele frequency attached by ClinVar (database versions not stated): gnomAD exomes 0.00310 and 0.00208; gnomAD 0.00210 and 0.00215; 1000 Genomes Project 30x 0.00219; 1000 Genomes Project 0.00220; ESP Exome Variant Server 0.00227; ExAC 0.00234; TOPMed 0.00234.
gnomAD v4.1: 4,876 of 1,614,256 alleles (0.3%); highest among the groups gnomAD compares: Middle Eastern, 0.38%; 11 homozygotes.

Submissions (3):

CeGaT Center for Human Genetics Tuebingen
Classification: Likely benign. Last evaluated: 2022-12-01. Review status: criteria provided, single submitter. Criteria: CeGaT Center For Human Genetics Tuebingen Variant Classification Criteria Version 2. Collection method: clinical testing. Allele origin: germline. Affected: yes. Observed: 2 variant alleles.
Comment: MPEG1: BS2

Pars Genome Lab
Classification: Likely benign for Immunodeficiency 77. Review status: criteria provided, single submitter. Criteria: ACMG Guidelines, 2015. Collection method: clinical testing. Allele origin: germline. Inheritance: Autosomal dominant inheritance. Affected: no.

OMIM
Classification: Pathogenic for IMMUNODEFICIENCY 77. Last evaluated: 2021-03-18. Review status: no assertion criteria provided. Collection method: literature only. Allele origin: germline. Not counted in ClinVar's aggregate classification.

Literature cited by the submitters: PubMed 28422754 (cited by OMIM).